The following is an entry in ClinVar:

NM_001754.5(RUNX1):c.*2005A>G

Gene: RUNX1 (RUNX family transcription factor 1; minus strand). Cytogenetic location: 21q22.12.
Variant type: single nucleotide variant.
Coding change: c.*2005A>G on transcript NM_001754.5 (MANE Select); 2005 bases downstream of the stop codon, A replaced by G.
Molecular consequence: 3 prime UTR variant.
Genome position (GRCh38, 1-based): chr21:34,790,130, T>C on the plus strand (A>G on the coding strand, the complement: RUNX1 is on the minus strand). VCF-style: chr21-34790130-T-C. GRCh37 (hg19) VCF-style: chr21-36162427-T-C.
Other names: c.*2005A>G (NM_001001890.3).
Identifiers: ClinVar variation 339839 (VCV000339839.6), dbSNP rs115087797, ClinGen allele CA10652922.
Genomic context (GRCh38, chr21:34,790,130, plus strand): 5'-TGGAGGGAATCCTGTCAAAAATGAAAGTGAATATATTCTGAGTTTGTCCGAGATCTGCTA[T>C]AGCTCTTCTCTAGATAAGAACGACCTGACAACATAAGCTGCTTTACTCTTTAACTCTTAC-3'

ClinVar aggregate classification (germline): Benign. Review status: reviewed by expert panel (3 of 4 stars). 2 submissions from 2 submitters: Benign (1). 1 of the submissions does not count toward it. Last evaluated 2020-08-24.

Conditions:
Hereditary thrombocytopenia and hematologic cancer predisposition syndrome. Identifiers: Orphanet 71290, MedGen CN281654, MONDO:0011071.
Hereditary thrombocytopenia and hematological cancer predisposition syndrome associated with RUNX1. Also called: PLATELET DISORDER, ASPIRIN-LIKE; RUNX1 Familial Platelet Disorder with Associated Myeloid Malignancies; Familial Platelet Disorder with Propensity to Acute Myelogenous Leukemia; Familial thrombocytopenia with propensity to acute myelogenous leukemia. Identifiers: Orphanet 71290, MedGen C1832388, MeSH C563324, MONDO:0100083, OMIM 601399.

Allele frequency attached by ClinVar (database versions not stated): 1000 Genomes Project 0.00020; gnomAD 0.00029 and 0.00031; 1000 Genomes Project 30x 0.00031; gnomAD exomes 0.00007; TOPMed 0.00031.
gnomAD v4.1: 48 of 233,262 alleles (0.021%); highest among the groups gnomAD compares: African/African-American, 0.11%; no homozygotes.

Submissions (2):

ClinGen Myeloid Malignancy Variant Curation Expert Panel
Classification: Benign for Hereditary thrombocytopenia and hematologic cancer predisposition syndrome. Last evaluated: 2020-08-24. Review status: reviewed by expert panel. Criteria: ClinGen MyeloMalig ACMG Specifications v1. Collection method: curation. Allele origin: germline. Inheritance: Autosomal dominant inheritance.
Comment: The RUNX1 c.*2005A>G variant in the 3' UTR has an MAF of 0.001606 (0.16%, 14/8716 alleles) in the African subpopulation of the gnomAD v2.1.1 cohort and is â‰¥ 0.0015 (0.15%) (BA1). In summary, this variant meets criteria to be classified as benign. ACMG/AMP criteria applied, as specified by the Myeloid Malignancy Variant Curation Expert Panel for RUNX1: BA1.

Illumina Laboratory Services, Illumina
Classification: Uncertain significance for Hereditary thrombocytopenia and hematological cancer predisposition syndrome associated with RUNX1. Last evaluated: 2018-01-13. Review status: criteria provided, single submitter. Criteria: ICSL Variant Classification Criteria 13 December 2019. Collection method: clinical testing. Allele origin: germline. Not counted in ClinVar's aggregate classification.